The following is an entry in ClinVar:

ClinVar aggregate classification (germline): Uncertain significance (1 of 4 stars; one submission).

Submission:

Women's Health and Genetics/Laboratory Corporation of America, LabCorp
Classification: Uncertain significance. Last evaluated: 2024-12-10. Review status: criteria provided, single submitter. Criteria: LabCorp Variant Classification Summary - May 2015. Collection method: clinical testing. Allele origin: germline.
Comment: Variant summary: MRPS16 c.251_252delCT (p.Ser84X) results in a premature termination codon, predicted to cause a truncation of the encoded protein or absence of the protein due to nonsense mediated decay, however current evidence is not sufficient to establish loss of function as a mechanism for disease. The variant was absent in 251428 control chromosomes. The available data on variant occurrences in the general population are insufficient to allow any conclusion about variant significance. To our knowledge, no occurrence of c.251_252delCT in individuals affected with Combined Oxidative Phosphorylation Defect Type 2 and no experimental evidence demonstrating its impact on protein function have been reported. No submitters have cited clinical-significance assessments for this variant to ClinVar. Based on the evidence outlined above, the variant was classified as uncertain significance.

NM_016065.4(MRPS16):c.251_252del (p.Leu83_Ser84insTer)

Genes: DNAJC9-AS1 (DNAJC9 and MRPS16 antisense RNA 1; plus strand), MRPS16 (mitochondrial ribosomal protein S16; minus strand). Cytogenetic location: 10q22.2.
Variant type: Microsatellite.
Coding change: c.251_252del on transcript NM_016065.4 (MANE Select); coding-DNA positions 251 to 252, 2 bases deleted (CT; older notation c.251_252delCT).
Protein change: p.Leu83_Ser84insTer.
Molecular consequence: nonsense.
Genome position (GRCh38, 1-based): chr10:73,251,785-73,251,786, AG deleted on the plus strand (CT on the coding strand, the reverse complement: MRPS16 is on the minus strand); deleting any 2 consecutive bases within chr10:73,251,785-73,251,790 gives the same sequence; the c. name uses the placement nearest the transcript's 3' end. VCF-style (leftmost placement, unchanged base first): chr10-73251784-TAG-T. GRCh37 (hg19) VCF-style: chr10-75011542-TAG-T.
Other names: c.251_252del, p.Leu83_Ser84insTer (NM_001410935.1); c.251_252delCT (NM_016065.4).
Identifiers: ClinVar variation 3768152 (VCV003768152.1).